The following is an entry in ClinVar:

NM_004937.3(CTNS):c.1015G>C (p.Gly339Arg)

Gene: CTNS (cystinosin, lysosomal cystine transporter; plus strand). Cytogenetic location: 17p13.2.
Variant type: single nucleotide variant.
Coding change: c.1015G>C on transcript NM_004937.3 (MANE Select); coding-DNA position 1015, G replaced by C.
Protein change: p.Gly339Arg; replaces glycine 339 with arginine.
Molecular consequence: missense variant.
Genome position (GRCh38, 1-based): chr17:3,660,280, G>C. VCF-style: chr17-3660280-G-C. GRCh37 (hg19) VCF-style: chr17-3563574-G-C.
Other names: c.1015G>C, p.Gly339Arg (NM_001031681.3, NM_001374492.1); c.574G>C, p.Gly192Arg (NM_001374493.1, NM_001374494.1, NM_001374495.1 and 1 more transcripts); short protein forms G192R, G339R.
Identifiers: ClinVar variation 4537512 (VCV004537512.1).

ClinVar aggregate classification (germline): Pathogenic (1 of 4 stars; one submission).

Conditions:
Cystinosis. Also called: Cystine diathesis; Cystine storage disease; Cystinoses. Identifiers: Orphanet 213, MedGen C4316899, MONDO:0016239.

Submission:

Genetics Laboratory, Great Ormond Street Hospital NHS Foundation Trust, North Thames Genomic Laboratory Hub
Classification: Pathogenic for Cystinosis. Last evaluated: 2025-10-17. Review status: criteria provided, single submitter. Criteria: ACGS Best Practice Guidelines for Variant Classification in Rare Disease 2024 v1.2. Collection method: clinical testing. Allele origin: germline. Affected: yes.
Comment: PM2_moderate, PP3_supporting, PS1_strong, PM3_supporting, PP4_moderate